The following is an entry in ClinVar:

NM_016138.5(COQ7):c.182A>G (p.Tyr61Cys)

Gene: COQ7 (coenzyme Q7, hydroxylase; plus strand). Cytogenetic location: 16p12.3.
Variant type: single nucleotide variant.
Coding change: c.182A>G on transcript NM_016138.5 (MANE Select); coding-DNA position 182, A replaced by G.
Protein change: p.Tyr61Cys; replaces tyrosine 61 with cysteine.
Molecular consequence: missense variant. On other transcripts: non-coding transcript variant (3).
Genome position (GRCh38, 1-based): chr16:19,072,036, A>G. VCF-style: chr16-19072036-A-G. GRCh37 (hg19) VCF-style: chr16-19083358-A-G.
Other names: c.68A>G, p.Tyr23Cys (NM_001190983.2, NM_001370492.1, NM_001370493.1 and 2 more transcripts); c.140A>G, p.Tyr47Cys (NM_001370489.1, NM_001370491.1); c.182A>G, p.Tyr61Cys (NM_001370490.1); short protein forms Y23C, Y61C, Y47C.
Identifiers: ClinVar variation 2093989 (VCV002093989.4), dbSNP rs2509337972, ClinGen allele CA394919366.
Genomic context (GRCh38, chr16:19,072,036, plus strand): 5'-TAGACAATATCAGTCGGGCAGCTGTGGATCGAATAATCCGGGTGGATCATGCAGGCGAAT[A>G]TGGAGCAAACCGCATCTATGCCGGGCAGATGGCTGTCCTGGGTCGGACCAGCGTCGGGCC-3'
Protein context (NP_057222.2, residues 51-71): RIIRVDHAGE[Tyr61Cys]GANRIYAGQM

ClinVar aggregate classification (germline): Uncertain significance (1 of 4 stars; one submission).

Allele frequency attached by ClinVar (database versions not stated): gnomAD exomes below 0.00001.
gnomAD v4.1: 1 of 1,614,204 alleles (0.000062%); highest among the groups gnomAD compares: East Asian, 0.0022%; no homozygotes.

Submission:

Labcorp Genetics (formerly Invitae), Labcorp
Classification: Uncertain significance. Last evaluated: 2022-11-08. Review status: criteria provided, single submitter. Criteria: Invitae Variant Classification Sherloc (09022015). Collection method: clinical testing. Allele origin: germline.
Comment: This sequence change replaces tyrosine, which is neutral and polar, with cysteine, which is neutral and slightly polar, at codon 61 of the COQ7 protein (p.Tyr61Cys). This variant is not present in population databases (gnomAD no frequency). In summary, the available evidence is currently insufficient to determine the role of this variant in disease. Therefore, it has been classified as a Variant of Uncertain Significance. Algorithms developed to predict the effect of missense changes on protein structure and function (SIFT, PolyPhen-2, Align-GVGD) all suggest that this variant is likely to be disruptive. This variant has not been reported in the literature in individuals affected with COQ7-related conditions.